The following is an entry in ClinVar:

ClinVar aggregate classification (germline): Pathogenic (1 of 4 stars; one submission).

Conditions:
Combined immunodeficiency due to LRBA deficiency. Also called: Common variable immunodeficiency 8, with autoimmunity. Identifiers: Orphanet 445018, MedGen C3553512, MONDO:0013863, OMIM 614700.

Submission:

Labcorp Genetics (formerly Invitae), Labcorp
Classification: Pathogenic for Combined immunodeficiency due to LRBA deficiency. Last evaluated: 2023-06-09. Review status: criteria provided, single submitter. Criteria: Invitae Variant Classification Sherloc (09022015). Collection method: clinical testing. Allele origin: germline.
Comment: For these reasons, this variant has been classified as Pathogenic. Algorithms developed to predict the effect of sequence changes on RNA splicing suggest that this variant may disrupt the consensus splice site. This variant has not been reported in the literature in individuals affected with LRBA-related conditions. This variant is not present in population databases (gnomAD no frequency). This sequence change creates a premature translational stop signal (p.Gln2480*) in the LRBA gene. It is expected to result in an absent or disrupted protein product. Loss-of-function variants in LRBA are known to be pathogenic (PMID: 26206937, 26768763). ClinVar contains an entry for this variant (Variation ID: 2180566).

Literature cited by the submitters: PubMed 26206937; PubMed 26768763.

NM_001364905.1(LRBA):c.7405C>T (p.Gln2469Ter)

Gene: LRBA (LPS responsive beige-like anchor protein; minus strand). Cytogenetic location: 4q31.3.
Variant type: single nucleotide variant.
Coding change: c.7405C>T on transcript NM_001364905.1 (MANE Select); coding-DNA position 7405, C replaced by T.
Protein change: p.Gln2469Ter; replaces glutamine 2469 with a stop codon.
Molecular consequence: nonsense.
Genome position (GRCh38, 1-based): chr4:150,325,856, G>A on the plus strand (C>T on the coding strand, the complement: LRBA is on the minus strand). VCF-style: chr4-150325856-G-A. GRCh37 (hg19) VCF-style: chr4-151247008-G-A.
Other names: c.7405C>T, p.Gln2469Ter (NM_001199282.3, NM_001367550.1); c.7438C>T, p.Gln2480Ter (NM_006726.5); short protein forms Q2469*, Q2480*.
Identifiers: ClinVar variation 2180566 (VCV002180566.4), dbSNP rs2545893385, ClinGen allele CA358601552.
Genomic context (GRCh38, chr4:150,325,856, plus strand): 5'-AAATAGCACTTACCACTTGCATGGCAGAACCTCTGGGAGGATGGGGCTCTATGAGTAGTT[G>A]AGAAGGAGTCTGTCCAAAACTTCGGATTTGAGCTTCAACAGCCTGAAAAGGGCAGGGGCA-3'